The following is an entry in ClinVar:

ClinVar aggregate classification (germline): Benign/Likely benign. Review status: criteria provided, multiple submitters, no conflicts (2 of 4 stars). 8 submissions from 8 submitters: Benign (5); Likely benign (3). Last evaluated 2026-01-28.

Conditions:
Developmental and epileptic encephalopathy, 85, with or without midline brain defects. Also called: EPILEPTIC ENCEPHALOPATHY, EARLY INFANTILE, 85, WITH OR WITHOUT MIDLINE BRAIN DEFECTS. Identifiers: MedGen C5393312, MONDO:0026771, OMIM 301044.
Congenital muscular hypertrophy-cerebral syndrome (CDLS2). Also called: SMC1A-Related Cornelia de Lange Syndrome; Cornelia de Lange syndrome 2. Identifiers: Orphanet 199, MedGen C1802395, MONDO:0010370, OMIM 300590.
Inborn genetic diseases. Identifiers: MedGen C0950123, MeSH D030342.

Allele frequency attached by ClinVar (database versions not stated): ExAC 0.00175; gnomAD 0.00419 and 0.00452; 1000 Genomes Project 0.00450; TOPMed 0.00488; 1000 Genomes Project 30x 0.00499; ESP Exome Variant Server 0.00644.
gnomAD v4.1: 952 of 1,208,741 alleles (0.079%); highest among the groups gnomAD compares: African/African-American, 1.5%; 9 homozygotes.

Submissions (8):

Labcorp Genetics (formerly Invitae), Labcorp
Classification: Benign for Congenital muscular hypertrophy-cerebral syndrome. Last evaluated: 2026-01-28. Review status: criteria provided, single submitter. Criteria: Invitae Variant Classification Sherloc (09022015). Collection method: clinical testing. Allele origin: germline.

Blueprint Genetics
Classification: Likely benign. Last evaluated: 2024-11-28. Review status: criteria provided, single submitter. Criteria: ACMG Guidelines, 2015. Collection method: clinical testing. Allele origin: germline.

Fulgent Genetics
Classification: Benign for Congenital muscular hypertrophy-cerebral syndrome; Developmental and epileptic encephalopathy, 85, with or without midline brain defects. Last evaluated: 2021-09-07. Review status: criteria provided, single submitter. Criteria: ACMG Guidelines, 2015. Collection method: clinical testing. Allele origin: unknown.

GeneDx
Classification: Likely benign. Last evaluated: 2020-10-05. Review status: criteria provided, single submitter. Criteria: GeneDx Variant Classification Process June 2021. Collection method: clinical testing. Allele origin: germline. Affected: yes.

Illumina Laboratory Services, Illumina
Classification: Benign for Congenital muscular hypertrophy-cerebral syndrome. Last evaluated: 2018-01-13. Review status: criteria provided, single submitter. Criteria: ICSL Variant Classification Criteria 13 December 2019. Collection method: clinical testing. Allele origin: germline.
Comment: This variant was observed in the ICSL laboratory as part of a predisposition screen in an ostensibly healthy population. It had not been previously curated by ICSL or reported in the Human Gene Mutation Database (HGMD: prior to June 1st, 2018), and was therefore a candidate for classification through an automated scoring system. Utilizing variant allele frequency, disease prevalence and penetrance estimates, and inheritance mode, an automated score was calculated to assess if this variant is too frequent to cause the disease. Based on the score and internal cut-off values, a variant classified as benign is not then subjected to further curation. The score for this variant resulted in a classification of benign for this disease.

Ambry Genetics
Classification: Benign for Inborn genetic diseases. Last evaluated: 2017-02-03. Review status: criteria provided, single submitter. Criteria: Ambry Variant Classification Scheme 2023. Collection method: clinical testing. Allele origin: germline.

Genetic Services Laboratory, University of Chicago
Classification: Benign. Last evaluated: 2013-02-08. Review status: criteria provided, single submitter. Criteria: ACMG Guidelines, 2007. Collection method: clinical testing. Allele origin: germline. Inheritance: X-linked inheritance.

Breakthrough Genomics
Classification: Likely benign. Review status: criteria provided, single submitter. Criteria: ACMG Guidelines, 2015. Collection method: not provided. Allele origin: germline. Inheritance: X-linked inheritance. Affected: yes.

NM_006306.4(SMC1A):c.1698G>A (p.Glu566=)

Gene: SMC1A (structural maintenance of chromosomes 1A; minus strand). Cytogenetic location: Xp11.22.
Variant type: single nucleotide variant.
Coding change: c.1698G>A on transcript NM_006306.4 (MANE Select); coding-DNA position 1698, G replaced by A.
Protein change: p.Glu566=; no amino-acid change (glutamic acid 566 retained).
Molecular consequence: synonymous variant.
Genome position (GRCh38, 1-based): chrX:53,405,804, C>T on the plus strand (G>A on the coding strand, the complement: SMC1A is on the minus strand). VCF-style: chrX-53405804-C-T. GRCh37 (hg19) VCF-style: chrX-53432736-C-T.
Other names: c.1632G>A, p.Glu544= (NM_001281463.1).
Identifiers: ClinVar variation 159943 (VCV000159943.29), dbSNP rs7052858, ClinGen allele CA173505.